The following is an entry in ClinVar:

ClinVar aggregate classification (germline): Uncertain significance. Review status: criteria provided, multiple submitters, no conflicts (2 of 4 stars). 2 submissions from 2 submitters: Uncertain significance (2). Last evaluated 2019-09-18.

Conditions:
Cardiovascular phenotype. Identifiers: MedGen CN230736.

Allele frequency attached by ClinVar (database versions not stated): gnomAD exomes below 0.00001; gnomAD 0.00003 and 0.00004; TOPMed 0.00003.
gnomAD v4.1: 8 of 1,613,342 alleles (0.0005%); highest among the groups gnomAD compares: African/African-American, 0.0093%; no homozygotes.

Submissions (2):

Ambry Genetics
Classification: Uncertain significance for Cardiovascular phenotype. Last evaluated: 2019-09-18. Review status: criteria provided, single submitter. Criteria: Ambry Variant Classification Scheme 2023. Collection method: clinical testing. Allele origin: germline.
Comment: The p.V15451I variant (also known as c.46351G>A), located in coding exon 153 of the TTN gene, results from a G to A substitution at nucleotide position 46351. The valine at codon 15451 is replaced by isoleucine, an amino acid with highly similar properties. This variant, referred to as p.V24516I (c.73546 G>A) was reported to co-occur with a second TTN variant in an individual with dilated cardiomyopathy (Begay RL et al. J Am Heart Assoc, 2015 Nov;4:). This amino acid position is highly conserved in available vertebrate species. In addition, this alteration is predicted to be tolerated by in silico analysis. Since supporting evidence is limited at this time, the clinical significance of this alteration remains unclear.

GeneDx
Classification: Uncertain significance. Last evaluated: 2017-11-01. Review status: criteria provided, single submitter. Criteria: GeneDx Variant Classification (06012015). Collection method: clinical testing. Allele origin: germline. Affected: yes.
Comment: A variant of uncertain significance has been identified in the TTN gene. The V22875I variant has been reported in 1/147 individuals diagnosed with DCM (Begay et al., 2015); however, no clinical details or family segregation information was provided. The V22875I variant is not observed at a significant frequency in large population cohorts (Lek et al., 2016). V22875I occurs at a position that is conserved across species, and this missense variant is located in the A-band region of TTN. However, the majority of pathogenic variants in the TTN gene associated with DCM are truncating variants within this region (Herman et al., 2012). Moreover, this variant is a conservative amino acid substitution, which is not likely to impact secondary protein structure as these residues share similar properties. Finally, in silico analysis is inconsistent in its predictions as to whether or not the variant is damaging to the protein structure/function.Therefore, based on the currently available information, it is unclear whether this variant is pathogenic or rare benign.

Literature cited by the submitters: PubMed 26567375 (cited by Ambry Genetics).

NM_001267550.2(TTN):c.73546G>A (p.Val24516Ile)

Genes: TTN (titin; minus strand), TTN-AS1 (TTN antisense RNA 1; plus strand). Cytogenetic location: 2q31.2.
Variant type: single nucleotide variant.
Coding change: c.73546G>A on transcript NM_001267550.2 (MANE Select); coding-DNA position 73546, G replaced by A.
Protein change: p.Val24516Ile; replaces valine 24516 with isoleucine.
Molecular consequence: missense variant.
Genome position (GRCh38, 1-based): chr2:178,572,586, C>T on the plus strand (G>A on the coding strand, the complement: TTN is on the minus strand). VCF-style: chr2-178572586-C-T. GRCh37 (hg19) VCF-style: chr2-179437313-C-T.
Other names: c.68623G>A, p.Val22875Ile (NM_001256850.1); c.46351G>A, p.Val15451Ile (NM_003319.4); c.65842G>A, p.Val21948Ile (NM_133378.4); c.46726G>A, p.Val15576Ile (NM_133432.3); c.46927G>A, p.Val15643Ile (NM_133437.4); short protein forms V22875I, V24516I, V15643I, V15451I, V15576I, V21948I.
Identifiers: ClinVar variation 449239 (VCV000449239.4), dbSNP rs72646897, ClinGen allele CA60998532.